The following is an entry in ClinVar:

ClinVar aggregate classification (germline): Pathogenic/Likely pathogenic. Review status: criteria provided, multiple submitters, no conflicts (2 of 4 stars). 2 submissions from 2 submitters: Pathogenic (1); Likely pathogenic (1). Last evaluated 2024-03-31.

Conditions:
Usher syndrome type 1G. Also called: USHER SYNDROME, TYPE IG, MILD. Identifiers: Orphanet 231169, Orphanet 886, MedGen C1847089, MONDO:0011748, OMIM 606943.

Submissions (2):

Fulgent Genetics
Classification: Likely pathogenic for Usher syndrome type 1G. Last evaluated: 2024-03-31. Review status: criteria provided, single submitter. Criteria: ACMG Guidelines, 2015. Collection method: clinical testing. Allele origin: germline.

Labcorp Genetics (formerly Invitae), Labcorp
Classification: Pathogenic. Last evaluated: 2022-02-03. Review status: criteria provided, single submitter. Criteria: Invitae Variant Classification Sherloc (09022015). Collection method: clinical testing. Allele origin: germline.
Comment: For these reasons, this variant has been classified as Pathogenic. ClinVar contains an entry for this variant (Variation ID: 856259). This variant has not been reported in the literature in individuals affected with USH1G-related conditions. This variant is not present in population databases (gnomAD no frequency). This sequence change creates a premature translational stop signal (p.Leu336Serfs*20) in the USH1G gene. It is expected to result in an absent or disrupted protein product. Loss-of-function variants in USH1G are known to be pathogenic (PMID: 12588794, 22219650).

Literature cited by the submitters: PubMed 12588794 (cited by Labcorp Genetics (formerly Invitae), Labcorp); PubMed 22219650 (cited by Labcorp Genetics (formerly Invitae), Labcorp).

NM_173477.5(USH1G):c.1004dup (p.Leu336fs)

Gene: USH1G (USH1 protein network component sans; minus strand). Cytogenetic location: 17q25.1.
Variant type: Duplication.
Coding change: c.1004dup on transcript NM_173477.5 (MANE Select); coding-DNA position 1004, one base duplicated (G; older notation c.1004dupG).
Protein change: p.Leu336fs; shifts the reading frame from leucine 336.
Molecular consequence: frameshift variant.
Genome position (GRCh38, 1-based): chr17:74,919,832, C duplicated on the plus strand (G on the coding strand, the reverse complement: USH1G is on the minus strand); the first of 5 consecutive C bases (chr17:74,919,832-74,919,836); duplicating any one gives the same sequence. VCF-style (leftmost placement, unchanged base first): chr17-74919831-A-AC. GRCh37 (hg19) VCF-style: chr17-72915926-A-AC.
Other names: c.695dup, p.Leu233fs (NM_001282489.3); short protein forms L233fs, L336fs.
Identifiers: ClinVar variation 856259 (VCV000856259.9), dbSNP rs1359109336, ClinGen allele CA775052994.
Genomic context (GRCh38, chr17:74,919,831, plus strand): 5'-GTCATCGTCCAGGCTGGGGGAGCTCTGCAGCCGACCCCGCGGCGCTCCCACCCCATCCAG[A>AC]CCCCCATCCTCGCGGCCCAGTCCGTGCAGCCCACTGCTCAAGTAATTTCTGCGGAACACC-3'